The following is an entry in ClinVar:

NM_012079.6(DGAT1):c.981+9G>A

Gene: DGAT1 (diacylglycerol O-acyltransferase 1; minus strand). Cytogenetic location: 8q24.3.
Variant type: single nucleotide variant.
Coding change: c.981+9G>A on transcript NM_012079.6 (MANE Select); 9 bases into the intron after coding-DNA position 981, G replaced by A.
Molecular consequence: intron variant.
Genome position (GRCh38, 1-based): chr8:144,317,535, C>T on the plus strand (G>A on the coding strand, the complement: DGAT1 is on the minus strand). VCF-style: chr8-144317535-C-T. GRCh37 (hg19) VCF-style: chr8-145541198-C-T.
Other names: p.?; c.981+9G>A (NM_012079.5).
Identifiers: ClinVar variation 1544770 (VCV001544770.11), dbSNP rs201047846, ClinGen allele CA4936733.
Genomic context (GRCh38, chr8:144,317,535, plus strand): 5'-TTCTAGAACCTTCCCCCACATGCCACTGTCCCCTCCTGTCCTGTGCATGCGCCACCTGTC[C>T]GCACTCACCGCCAGCTTCAGGAGGCGCTCGATGATGCGTGAGTAGTCCATGTCCTGCAGA-3'

ClinVar aggregate classification (germline): Likely benign. Review status: criteria provided, multiple submitters, no conflicts (2 of 4 stars). 3 submissions from 3 submitters: Likely benign (2). 1 of the submissions does not count toward it. Last evaluated 2026-02-01.

Conditions:
DGAT1-related disorder. Also called: DGAT1-related condition.

Allele frequency attached by ClinVar (database versions not stated): ExAC 0.00001; gnomAD exomes 0.00001 and 0.00002; gnomAD 0.00009; TOPMed 0.00017; 1000 Genomes Project 0.00020; 1000 Genomes Project 30x 0.00031.
gnomAD v4.1: 29 of 1,613,854 alleles (0.0018%); highest among the groups gnomAD compares: Admixed American, 0.025%; no homozygotes.

Submissions (3):

Labcorp Genetics (formerly Invitae), Labcorp
Classification: Likely benign. Last evaluated: 2026-02-01. Review status: criteria provided, single submitter. Criteria: Invitae Variant Classification Sherloc (09022015). Collection method: clinical testing. Allele origin: germline.

Mayo Clinic Laboratories, Mayo Clinic
Classification: Likely benign. Last evaluated: 2025-09-04. Review status: criteria provided, single submitter. Criteria: ACMG Guidelines, 2015. Collection method: clinical testing. Allele origin: germline. Observed: 1 variant allele.
Comment: BP4, BP7, PM2_supporting

PreventionGenetics, part of Exact Sciences
Classification: Likely benign for DGAT1-related condition. Last evaluated: 2023-10-03. Review status: no assertion criteria provided. Collection method: clinical testing. Allele origin: germline. Not counted in ClinVar's aggregate classification.
Comment: This variant is classified as likely benign based on ACMG/AMP sequence variant interpretation guidelines (Richards et al. 2015 PMID: 25741868, with internal and published modifications).